The following is an entry in ClinVar:

NM_001040142.2(SCN2A):c.399G>T (p.Met133Ile)

Gene: SCN2A (sodium voltage-gated channel alpha subunit 2; plus strand). Cytogenetic location: 2q24.3.
Variant type: single nucleotide variant.
Coding change: c.399G>T on transcript NM_001040142.2 (MANE Select); coding-DNA position 399, G replaced by T.
Protein change: p.Met133Ile; replaces methionine 133 with isoleucine.
Molecular consequence: missense variant.
Genome position (GRCh38, 1-based): chr2:165,307,860, G>T. VCF-style: chr2-165307860-G-T. GRCh37 (hg19) VCF-style: chr2-166164370-G-T.
Other names: c.399G>T, p.Met133Ile (NM_001040143.2, NM_001371246.1, NM_001371247.1 and 1 more transcripts); c.399G>T (NM_021007.2); short protein forms M133I.
Identifiers: ClinVar variation 1430926 (VCV001430926.9), dbSNP rs2105241303, ClinGen allele CA349014877.

ClinVar aggregate classification (germline): Uncertain significance. Review status: criteria provided, multiple submitters, no conflicts (2 of 4 stars). 2 submissions from 2 submitters: Uncertain significance (2). Last evaluated 2024-11-15.

Conditions:
Seizures, benign familial infantile, 3 (BFIS3). Also called: CONVULSIONS, BENIGN FAMILIAL INFANTILE, 3; Familial neonatal seizures. Identifiers: Orphanet 140927, Orphanet 306, MedGen C1843140, MONDO:0011904, OMIM 607745.
Developmental and epileptic encephalopathy, 11 (DEE11). Also called: Early infantile epileptic encephalopathy 11. Identifiers: Orphanet 1934, MedGen C3150987, MONDO:0013388, OMIM 613721.

Submissions (2):

Labcorp Genetics (formerly Invitae), Labcorp
Classification: Uncertain significance for Seizures, benign familial infantile, 3; Developmental and epileptic encephalopathy, 11. Last evaluated: 2024-11-15. Review status: criteria provided, single submitter. Criteria: Invitae Variant Classification Sherloc (09022015). Collection method: clinical testing. Allele origin: germline.
Comment: This sequence change replaces methionine, which is neutral and non-polar, with isoleucine, which is neutral and non-polar, at codon 133 of the SCN2A protein (p.Met133Ile). This variant is not present in population databases (gnomAD no frequency). This variant has not been reported in the literature in individuals affected with SCN2A-related conditions. ClinVar contains an entry for this variant (Variation ID: 1430926). Invitae Evidence Modeling of protein sequence and biophysical properties (such as structural, functional, and spatial information, amino acid conservation, physicochemical variation, residue mobility, and thermodynamic stability) has been performed for this missense variant. However, the output from this modeling did not meet the statistical confidence thresholds required to predict the impact of this variant on SCN2A protein function. In summary, the available evidence is currently insufficient to determine the role of this variant in disease. Therefore, it has been classified as a Variant of Uncertain Significance.

GeneDx
Classification: Uncertain significance. Last evaluated: 2023-07-14. Review status: criteria provided, single submitter. Criteria: GeneDx Variant Classification Process June 2021. Collection method: clinical testing. Allele origin: germline. Affected: yes.
Comment: Has not been previously published as pathogenic or benign to our knowledge; Not observed at significant frequency in large population cohorts (gnomAD); Missense variants in this gene are often considered pathogenic (HGMD); In silico analysis supports that this missense variant has a deleterious effect on protein structure/function; This substitution is predicted to be within the transmembrane segment S1 of the first homologous domain.